The following is an entry in ClinVar:

NM_000482.4(APOA4):c.559A>G (p.Lys187Glu)

Gene: APOA4 (apolipoprotein A4; minus strand). Cytogenetic location: 11q23.3.
Variant type: single nucleotide variant.
Coding change: c.559A>G on transcript NM_000482.4 (MANE Select); coding-DNA position 559, A replaced by G.
Protein change: p.Lys187Glu; replaces lysine 187 with glutamic acid.
Molecular consequence: missense variant.
Genome position (GRCh38, 1-based): chr11:116,821,499, T>C on the plus strand (A>G on the coding strand, the complement: APOA4 is on the minus strand). VCF-style: chr11-116821499-T-C. GRCh37 (hg19) VCF-style: chr11-116692215-T-C.
Other names: short protein forms K187E.
Identifiers: ClinVar variation 4696010 (VCV004696010.1).

ClinVar aggregate classification (germline): Uncertain significance (1 of 4 stars; one submission).

Submission:

Labcorp Genetics (formerly Invitae), Labcorp
Classification: Uncertain significance. Last evaluated: 2025-12-26. Review status: criteria provided, single submitter. Criteria: Invitae Variant Classification Sherloc (09022015). Collection method: clinical testing. Allele origin: germline.
Comment: This sequence change replaces lysine, which is basic and polar, with glutamic acid, which is acidic and polar, at codon 187 of the APOA4 protein (p.Lys187Glu). This variant is present in population databases (rs773492545, gnomAD 0.007%). This missense change has been observed in individual(s) with APOA4-related conditions (PMID: 36325899). Invitae Evidence Modeling of protein sequence and biophysical properties (such as structural, functional, and spatial information, amino acid conservation, physicochemical variation, residue mobility, and thermodynamic stability) indicates that this missense variant is expected to disrupt APOA4 protein function with a positive predictive value of 80%. In summary, the available evidence is currently insufficient to determine the role of this variant in disease. Therefore, it has been classified as a Variant of Uncertain Significance.

Literature cited by the submitters: PubMed 36325899.